The following is an entry in ClinVar:

ClinVar aggregate classification (germline): Uncertain significance (1 of 4 stars; one submission).

Submission:

Labcorp Genetics (formerly Invitae), Labcorp
Classification: Uncertain significance. Last evaluated: 2020-09-09. Review status: criteria provided, single submitter. Criteria: Invitae Variant Classification Sherloc (09022015). Collection method: clinical testing. Allele origin: germline.
Comment: In summary, the available evidence is currently insufficient to determine the role of this variant in disease. Therefore, it has been classified as a Variant of Uncertain Significance. Algorithms developed to predict the effect of missense changes on protein structure and function output the following: SIFT: "Deleterious"; PolyPhen-2: "Benign"; Align-GVGD: "Class C0". The glycine amino acid residue is found in multiple mammalian species, suggesting that this missense change does not adversely affect protein function. These predictions have not been confirmed by published functional studies and their clinical significance is uncertain. This variant has not been reported in the literature in individuals with RP1-related conditions. This variant is not present in population databases (ExAC no frequency). This sequence change replaces aspartic acid with glycine at codon 1475 of the RP1 protein (p.Asp1475Gly). The aspartic acid residue is highly conserved and there is a moderate physicochemical difference between aspartic acid and glycine.

NM_006269.2(RP1):c.4424A>G (p.Asp1475Gly)

Gene: RP1 (RP1 axonemal microtubule associated; plus strand). Cytogenetic location: 8q12.1.
Variant type: single nucleotide variant.
Coding change: c.4424A>G on transcript NM_006269.2 (MANE Select); coding-DNA position 4424, A replaced by G.
Protein change: p.Asp1475Gly; replaces aspartic acid 1475 with glycine.
Molecular consequence: missense variant. On other transcripts: intron variant (1).
Genome position (GRCh38, 1-based): chr8:54,628,306, A>G. VCF-style: chr8-54628306-A-G. GRCh37 (hg19) VCF-style: chr8-55540866-A-G.
Other names: c.787+6018A>G (NM_001375654.1); short protein forms D1475G.
Identifiers: ClinVar variation 1016487 (VCV001016487.8), dbSNP rs1806137866, ClinGen allele CA370982175.